The following is an entry in ClinVar:

ClinVar aggregate classification (germline): Likely pathogenic (1 of 4 stars; one submission).

Conditions:
Familial cancer of breast. Also called: hereditary breast carcinoma; BREAST CANCER, FAMILIAL; Hereditary breast cancer. Identifiers: Orphanet 227535, MedGen C0346153, MONDO:0016419, OMIM 114480. Disease mechanism: loss of function.

Submission:

Labcorp Genetics (formerly Invitae), Labcorp
Classification: Likely pathogenic for Familial cancer of breast. Last evaluated: 2022-09-05. Review status: criteria provided, single submitter. Criteria: Invitae Variant Classification Sherloc (09022015). Collection method: clinical testing. Allele origin: germline.
Comment: This variant results in a copy number gain of the genomic region encompassing exon(s) 8 of the CHEK2 gene. While the exact position of this variant cannot be determined from the data, sub-genic copy number gains are generally in tandem (PMID: 25640679). This variant is predicted to be out-of-frame, and may result in an absent or disrupted protein product. Loss-of-function variants in CHEK2 are known to be pathogenic (PMID: 21876083, 24713400). This variant has not been reported in the literature in individuals affected with CHEK2-related conditions. In summary, the currently available evidence indicates that the variant is pathogenic, but additional data are needed to prove that conclusively. Therefore, this variant has been classified as Likely Pathogenic.

Literature cited by the submitters: PubMed 25640679; PubMed 21876083; PubMed 24713400.

NC_000022.10:g.(?_29099483)_(29099564_?)dup

Gene: CHEK2 (checkpoint kinase 2; minus strand). Cytogenetic location: 22q12.1.
Variant type: Duplication.
Identifiers: ClinVar variation 644269 (VCV000644269.7).